The following is an entry in ClinVar:

ClinVar aggregate classification (germline): Likely benign. Review status: criteria provided, multiple submitters, no conflicts (2 of 4 stars). 2 submissions from 2 submitters: Likely benign (2). Last evaluated 2023-06-26.

Conditions:
Familial thoracic aortic aneurysm and aortic dissection (TAAD). Also called: Thoracic aortic aneurysms and dissections. Identifiers: Orphanet 91387, MedGen C4707243, MONDO:0019625.
Marfan syndrome (MFS). Also called: MARFAN SYNDROME, TYPE I; Marfan syndrome type 1; Marfan's syndrome; Marfan syndrome, classic; FBN1-Related Marfan Syndrome. Identifiers: Orphanet 284963, Orphanet 558, MedGen C0024796, MONDO:0007947, OMIM 154700.

Submissions (2):

All of Us Research Program, National Institutes of Health
Classification: Likely benign for Marfan syndrome. Last evaluated: 2023-06-26. Review status: criteria provided, single submitter. Criteria: ACMG Guidelines, 2015. Collection method: clinical testing. Allele origin: germline. Inheritance: Autosomal dominant inheritance. Observed: 2 variant alleles, 2 heterozygotes.
Comment: This study involves interpretation of variants in research participants for the purpose of population health screening. Participant phenotype was not available at the time of variant classification. Additional details can be found in publication PMID: 35346344, PMCID: PMC8962531

Labcorp Genetics (formerly Invitae), Labcorp
Classification: Likely benign for Marfan syndrome; Familial thoracic aortic aneurysm and aortic dissection. Last evaluated: 2022-11-12. Review status: criteria provided, single submitter. Criteria: Invitae Variant Classification Sherloc (09022015). Collection method: clinical testing. Allele origin: germline.

NM_000138.5(FBN1):c.3083-9T>C

Gene: FBN1 (fibrillin 1; minus strand). Cytogenetic location: 15q21.1.
Variant type: single nucleotide variant.
Coding change: c.3083-9T>C on transcript NM_000138.5 (MANE Select); 9 bases into the intron before coding-DNA position 3083, T replaced by C.
Molecular consequence: intron variant.
Genome position (GRCh38, 1-based): chr15:48,488,502, A>G on the plus strand (T>C on the coding strand, the complement: FBN1 is on the minus strand). VCF-style: chr15-48488502-A-G. GRCh37 (hg19) VCF-style: chr15-48780699-A-G.
Identifiers: ClinVar variation 2157416 (VCV002157416.5), dbSNP rs2505553903, ClinGen allele CA2580089677.